The following is an entry in ClinVar:

ClinVar aggregate classification (germline): Uncertain significance (1 of 4 stars; one submission).

gnomAD v4.1: 7 of 1,614,232 alleles (0.00043%); highest among the groups gnomAD compares: African/African-American, 0.0027%; no homozygotes.

Submission:

Labcorp Genetics (formerly Invitae), Labcorp
Classification: Uncertain significance. Last evaluated: 2024-06-30. Review status: criteria provided, single submitter. Criteria: Invitae Variant Classification Sherloc (09022015). Collection method: clinical testing. Allele origin: germline.
Comment: This sequence change replaces arginine, which is basic and polar, with cysteine, which is neutral and slightly polar, at codon 187 of the EXTL3 protein (p.Arg187Cys). This variant is not present in population databases (gnomAD no frequency). This variant has not been reported in the literature in individuals affected with EXTL3-related conditions. Advanced modeling of protein sequence and biophysical properties (such as structural, functional, and spatial information, amino acid conservation, physicochemical variation, residue mobility, and thermodynamic stability) performed at Invitae indicates that this missense variant is not expected to disrupt EXTL3 protein function with a negative predictive value of 80%. In summary, the available evidence is currently insufficient to determine the role of this variant in disease. Therefore, it has been classified as a Variant of Uncertain Significance.

NM_001440.4(EXTL3):c.559C>T (p.Arg187Cys)

Gene: EXTL3 (exostosin like glycosyltransferase 3; plus strand). Cytogenetic location: 8p21.1.
Variant type: single nucleotide variant.
Coding change: c.559C>T on transcript NM_001440.4 (MANE Select); coding-DNA position 559, C replaced by T.
Protein change: p.Arg187Cys; replaces arginine 187 with cysteine.
Molecular consequence: missense variant.
Genome position (GRCh38, 1-based): chr8:28,716,618, C>T. VCF-style: chr8-28716618-C-T. GRCh37 (hg19) VCF-style: chr8-28574135-C-T.
Other names: short protein forms R187C.
Identifiers: ClinVar variation 3605496 (VCV003605496.2).